The following is an entry in ClinVar:

ClinVar aggregate classification (germline): Uncertain significance. Review status: criteria provided, multiple submitters, no conflicts (2 of 4 stars). 2 submissions from 2 submitters: Uncertain significance (2). Last evaluated 2025-11-07.

Conditions:
Hereditary cancer-predisposing syndrome. Also called: Hereditary Cancer Syndrome; Tumor predisposition; Hereditary neoplastic syndrome; Neoplastic Syndromes, Hereditary. Identifiers: Orphanet 140162, MedGen C0027672, MeSH D009386, MONDO:0015356.

Submissions (2):

Quest Diagnostics Nichols Institute San Juan Capistrano
Classification: Uncertain significance. Last evaluated: 2025-11-07. Review status: criteria provided, single submitter. Criteria: Quest Diagnostics criteria. Collection method: clinical testing. Allele origin: unknown.
Comment: The BAP1 c.1438A>C (p.Thr480Pro) variant has not been reported in individuals with BAP1-related conditions in the published literature. This variant has not been reported in large, multi-ethnic general populations (Genome Aggregation Database). Analysis of this variant using bioinformatics tools for the prediction of the effect of amino acid changes on protein structure and function yielded predictions that this variant is benign. Based on the available information, we are unable to determine the clinical significance of this variant.

Ambry Genetics
Classification: Uncertain significance for Hereditary cancer-predisposing syndrome. Last evaluated: 2024-05-16. Review status: criteria provided, single submitter. Criteria: Ambry Variant Classification Scheme 2023. Collection method: clinical testing. Allele origin: germline.
Comment: The p.T480P variant (also known as c.1438A>C), located in coding exon 13 of the BAP1 gene, results from an A to C substitution at nucleotide position 1438. The threonine at codon 480 is replaced by proline, an amino acid with highly similar properties. This amino acid position is conserved. In addition, this alteration is predicted to be tolerated by in silico analysis. Based on the available evidence, the clinical significance of this variant remains unclear.

NM_004656.4(BAP1):c.1438A>C (p.Thr480Pro)

Gene: BAP1 (BRCA1 associated deubiquitinase 1; minus strand). Cytogenetic location: 3p21.1.
Variant type: single nucleotide variant.
Coding change: c.1438A>C on transcript NM_004656.4 (MANE Select); coding-DNA position 1438, A replaced by C.
Protein change: p.Thr480Pro; replaces threonine 480 with proline.
Molecular consequence: missense variant.
Genome position (GRCh38, 1-based): chr3:52,403,707, T>G on the plus strand (A>C on the coding strand, the complement: BAP1 is on the minus strand). VCF-style: chr3-52403707-T-G. GRCh37 (hg19) VCF-style: chr3-52437723-T-G.
Other names: c.1384A>C, p.Thr462Pro (NM_001410772.1); c.1438A>C (NM_004656.3); short protein forms T462P, T480P.
Identifiers: ClinVar variation 3260390 (VCV003260390.2).
Genomic context (GRCh38, chr3:52,403,707, plus strand): 5'-CGATCTCAGAGGCCGTGTCTGTACTCTCATTGCTGGGGGTGGGTGAGGGCTGCGAGTGTG[T>G]GGGCACTGCCACAGCCGGACTCCCAGCCCCGCTGCTAGTCTTGATGGACAGAGGAATTGA-3'
Protein context (NP_004647.1, residues 470-490): GAGSPAVAVP[Thr480Pro]HSQPSPTPSN